The following is an entry in ClinVar:

NM_001127178.3(PIGG):c.2897C>A (p.Ala966Asp)

Gene: PIGG (phosphatidylinositol glycan anchor biosynthesis class G (EMM blood group); plus strand). Cytogenetic location: 4p16.3.
Variant type: single nucleotide variant.
Coding change: c.2897C>A on transcript NM_001127178.3 (MANE Select); coding-DNA position 2897, C replaced by A.
Protein change: p.Ala966Asp; replaces alanine 966 with aspartic acid.
Molecular consequence: missense variant. On other transcripts: non-coding transcript variant (10).
Genome position (GRCh38, 1-based): chr4:539,314, C>A. VCF-style: chr4-539314-C-A. GRCh37 (hg19) VCF-style: chr4-533103-C-A.
Other names: c.2630C>A, p.Ala877Asp (NM_001289051.2, NM_001345986.2); c.2498C>A, p.Ala833Asp (NM_001289052.2); c.2606C>A, p.Ala869Asp (NM_001345987.2); c.1868C>A, p.Ala623Asp (NM_001345988.2); c.1364C>A, p.Ala455Asp (NM_001345990.2, NM_001345991.2); c.1799C>A, p.Ala600Asp (NM_001345994.2); c.2873C>A, p.Ala958Asp (NM_017733.5); short protein forms A600D, A623D, A833D, A869D, A958D, A455D, A877D, A966D.
Identifiers: ClinVar variation 2193101 (VCV002193101.4), dbSNP rs1387966022, ClinGen allele CA355914839.

ClinVar aggregate classification (germline): Uncertain significance (1 of 4 stars; one submission).

Conditions:
Intellectual disability, autosomal recessive 53 (NEDHSCA). Also called: GLYCOSYLPHOSPHATIDYLINOSITOL BIOSYNTHESIS DEFECT 13; Mental retardation, autosomal recessive 53; NEURODEVELOPMENTAL DISORDER WITH OR WITHOUT HYPOTONIA, SEIZURES, AND CEREBELLAR ATROPHY. Identifiers: Orphanet 488635, MedGen C4310794, MONDO:0014832, OMIM 616917.

Allele frequency attached by ClinVar (database versions not stated): gnomAD 0.00001; TOPMed 0.00001.

Submission:

Labcorp Genetics (formerly Invitae), Labcorp
Classification: Uncertain significance for Intellectual disability, autosomal recessive 53. Last evaluated: 2022-02-22. Review status: criteria provided, single submitter. Criteria: Invitae Variant Classification Sherloc (09022015). Collection method: clinical testing. Allele origin: germline.
Comment: This sequence change replaces alanine, which is neutral and non-polar, with aspartic acid, which is acidic and polar, at codon 966 of the PIGG protein (p.Ala966Asp). This variant is not present in population databases (gnomAD no frequency). This variant has not been reported in the literature in individuals affected with PIGG-related conditions. Algorithms developed to predict the effect of missense changes on protein structure and function are either unavailable or do not agree on the potential impact of this missense change (SIFT: "Tolerated"; PolyPhen-2: "Probably Damaging"; Align-GVGD: "Class C0"). In summary, the available evidence is currently insufficient to determine the role of this variant in disease. Therefore, it has been classified as a Variant of Uncertain Significance.